The following is an entry in ClinVar:

ClinVar aggregate classification (germline): Uncertain significance (1 of 4 stars; one submission).

Allele frequency attached by ClinVar (database versions not stated): gnomAD exomes below 0.00001; ExAC 0.00001; gnomAD 0.00001; TOPMed 0.00001.
gnomAD v4.1: 6 of 1,611,186 alleles (0.00037%); highest among the groups gnomAD compares: South Asian, 0.0033%; no homozygotes.

Submission:

Labcorp Genetics (formerly Invitae), Labcorp
Classification: Uncertain significance. Last evaluated: 2024-01-11. Review status: criteria provided, single submitter. Criteria: Invitae Variant Classification Sherloc (09022015). Collection method: clinical testing. Allele origin: germline.
Comment: This sequence change replaces arginine, which is basic and polar, with tryptophan, which is neutral and slightly polar, at codon 839 of the CTR9 protein (p.Arg839Trp). The frequency data for this variant in the population databases is considered unreliable, as metrics indicate poor data quality at this position in the gnomAD database. This missense change has been observed in individual(s) with developmental disorder (PMID: 31785789, 35499524). An algorithm developed to predict the effect of missense changes on protein structure and function (PolyPhen-2) suggests that this variant is likely to be disruptive. In summary, the available evidence is currently insufficient to determine the role of this variant in disease. Therefore, it has been classified as a Variant of Uncertain Significance.

Literature cited by the submitters: PubMed 31785789; PubMed 35499524.

NM_014633.5(CTR9):c.2515C>T (p.Arg839Trp)

Gene: CTR9 (CTR9 component of Paf1/RNA polymerase II complex; plus strand). Cytogenetic location: 11p15.4.
Variant type: single nucleotide variant.
Coding change: c.2515C>T on transcript NM_014633.5 (MANE Select); coding-DNA position 2515, C replaced by T.
Protein change: p.Arg839Trp; replaces arginine 839 with tryptophan.
Molecular consequence: missense variant.
Genome position (GRCh38, 1-based): chr11:10,772,590, C>T. VCF-style: chr11-10772590-C-T. GRCh37 (hg19) VCF-style: chr11-10794137-C-T.
Other names: c.2443C>T, p.Arg815Trp (NM_001346279.2); short protein forms R815W, R839W.
Identifiers: ClinVar variation 2885541 (VCV002885541.3), dbSNP rs775426922, ClinGen allele CA5885343.
Genomic context (GRCh38, chr11:10,772,590, plus strand): 5'-GACTTACTGAGCCAGGCCCAGTACCATGTGGCCCGGGCACGCAAACAAGATGAAGAAGAG[C>T]GGGAGCTGCGGGCCAAGCAAGAGCAAGAAAAGGAGCTGTTAAGGCAGAAACTTCTTAAAG-3'
Protein context (NP_055448.1, residues 829-849): ARARKQDEEE[Arg839Trp]ELRAKQEQEK